The following is an entry in ClinVar:

NM_000038.6(APC):c.6789A>G (p.Glu2263=)

Gene: APC (APC regulator of Wnt signaling pathway; plus strand). Cytogenetic location: 5q22.2.
Variant type: single nucleotide variant.
Coding change: c.6789A>G on transcript NM_000038.6 (MANE Select); coding-DNA position 6789, A replaced by G.
Protein change: p.Glu2263=; no amino-acid change (glutamic acid 2263 retained).
Molecular consequence: synonymous variant.
Genome position (GRCh38, 1-based): chr5:112,842,383, A>G. VCF-style: chr5-112842383-A-G. GRCh37 (hg19) VCF-style: chr5-112178080-A-G.
Other names: c.6789A>G, p.Glu2263= (NM_001127510.3, NM_001354895.2); c.6735A>G, p.Glu2245= (NM_001127511.3); c.6843A>G, p.Glu2281= (NM_001354896.2); c.6819A>G, p.Glu2273= (NM_001354897.2); c.6714A>G, p.Glu2238= (NM_001354898.2); c.6705A>G, p.Glu2235= (NM_001354899.2); c.6666A>G, p.Glu2222= (NM_001354900.2); c.6612A>G, p.Glu2204= (NM_001354901.2); and 5 more.
Identifiers: ClinVar variation 384459 (VCV000384459.20), dbSNP rs1057521959, ClinGen allele CA16604760.
Genomic context (GRCh38, chr5:112,842,383, plus strand): 5'-AAGTCCTGTTTCTAAAAAAGGCCCACCCCTTAAGACTCCAGCCTCCAAAAGCCCTAGTGA[A>G]GGTCAAACAGCCACCACTTCTCCTAGAGGAGCCAAGCCATCTGTGAAATCAGAATTAAGC-3'
Protein context (NP_000029.2, residues 2253-2273): LKTPASKSPS[Glu2263=]GQTATTSPRG

ClinVar aggregate classification (germline): Benign/Likely benign. Review status: criteria provided, multiple submitters, no conflicts (2 of 4 stars). 7 submissions from 7 submitters: Benign (1); Likely benign (6). Last evaluated 2025-05-25.

Conditions:
Classic or attenuated familial adenomatous polyposis. Identifiers: MedGen CN372698, MONDO:0021057.
Hereditary cancer-predisposing syndrome. Also called: Hereditary Cancer Syndrome; Hereditary neoplastic syndrome; Neoplastic Syndromes, Hereditary; Tumor predisposition. Identifiers: Orphanet 140162, MedGen C0027672, MeSH D009386, MONDO:0015356.
Familial adenomatous polyposis 1 (FAP1). Also called: FAMILIAL ADENOMATOUS POLYPOSIS 1, ATTENUATED; POLYPOSIS, ADENOMATOUS INTESTINAL. Identifiers: MedGen C2713442, MONDO:0021056, OMIM 175100. Disease mechanism: loss of function.

Submissions (7):

Labcorp Genetics (formerly Invitae), Labcorp
Classification: Likely benign for Familial adenomatous polyposis 1. Last evaluated: 2025-05-25. Review status: criteria provided, single submitter. Criteria: Invitae Variant Classification Sherloc (09022015). Collection method: clinical testing. Allele origin: germline.

Myriad Genetics, Inc.
Classification: Benign for Familial adenomatous polyposis 1. Last evaluated: 2024-04-05. Review status: criteria provided, single submitter. Criteria: Myriad Autosomal Dominant, Autosomal Recessive and X-Linked Classification Criteria (2023). Collection method: clinical testing. Allele origin: unknown.
Comment: This variant is considered benign. This variant is a silent/synonymous amino acid change and it is not expected to impact splicing.

All of Us Research Program, National Institutes of Health
Classification: Likely benign for Classic or attenuated familial adenomatous polyposis. Last evaluated: 2023-07-22. Review status: criteria provided, single submitter. Criteria: ACMG Guidelines, 2015. Collection method: clinical testing. Allele origin: germline. Inheritance: Autosomal dominant inheritance. Observed: 1 variant allele, 1 heterozygote.
Comment: This study involves interpretation of variants in research participants for the purpose of population health screening. Participant phenotype was not available at the time of variant classification. Additional details can be found in publication PMID: 35346344, PMCID: PMC8962531

Women's Health and Genetics/Laboratory Corporation of America, LabCorp
Classification: Likely benign. Last evaluated: 2019-09-20. Review status: criteria provided, single submitter. Criteria: LabCorp Variant Classification Summary - May 2015. Collection method: clinical testing. Allele origin: germline.

GeneDx
Classification: Likely benign. Last evaluated: 2018-04-26. Review status: criteria provided, single submitter. Criteria: GeneDx Variant Classification Process June 2021. Collection method: clinical testing. Allele origin: germline. Affected: yes.

Ambry Genetics
Classification: Likely benign for Hereditary cancer-predisposing syndrome. Last evaluated: 2018-02-19. Review status: criteria provided, single submitter. Criteria: Ambry Variant Classification Scheme 2023. Collection method: clinical testing. Allele origin: germline.

Color Diagnostics, LLC DBA Color Health
Classification: Likely benign for Hereditary cancer-predisposing syndrome. Last evaluated: 2017-04-24. Review status: criteria provided, single submitter. Criteria: ACMG Guidelines, 2015. Collection method: clinical testing. Allele origin: germline.